The following is an entry in ClinVar:

NM_004369.4(COL6A3):c.4466A>G (p.Tyr1489Cys)

Gene: COL6A3 (collagen type VI alpha 3 chain; minus strand). Cytogenetic location: 2q37.3.
Variant type: single nucleotide variant.
Coding change: c.4466A>G on transcript NM_004369.4 (MANE Select); coding-DNA position 4466, A replaced by G.
Protein change: p.Tyr1489Cys; replaces tyrosine 1489 with cysteine.
Molecular consequence: missense variant.
Genome position (GRCh38, 1-based): chr2:237,368,997, T>C on the plus strand (A>G on the coding strand, the complement: COL6A3 is on the minus strand). VCF-style: chr2-237368997-T-C. GRCh37 (hg19) VCF-style: chr2-238277640-T-C.
Other names: c.2645A>G, p.Tyr882Cys (NM_057166.5); c.3848A>G, p.Tyr1283Cys (NM_057167.4); short protein forms Y1283C, Y1489C, Y882C.
Identifiers: ClinVar variation 2504430 (VCV002504430.1), dbSNP rs2469889325, ClinGen allele CA351193268.

ClinVar aggregate classification (germline): Uncertain significance (1 of 4 stars; one submission).

Submission:

GeneDx
Classification: Uncertain significance. Last evaluated: 2022-12-01. Review status: criteria provided, single submitter. Criteria: GeneDx Variant Classification Process June 2021. Collection method: clinical testing. Allele origin: germline. Affected: yes.
Comment: Not observed at significant frequency in large population cohorts (gnomAD); In silico analysis supports that this missense variant has a deleterious effect on protein structure/function; Has not been previously published as pathogenic or benign to our knowledge